The following is an entry in ClinVar:

NM_023083.4(CAPN10):c.1070dup (p.Asn357fs)

Gene: CAPN10 (calpain 10; plus strand). Cytogenetic location: 2q37.3.
Variant type: Duplication.
Coding change: c.1070dup on transcript NM_023083.4 (MANE Select); coding-DNA position 1070, one base duplicated (A; older notation c.1070dupA).
Protein change: p.Asn357fs; shifts the reading frame from asparagine 357.
Molecular consequence: frameshift variant.
Genome position (GRCh38, 1-based): chr2:240,595,096, A duplicated; the last of 2 consecutive A bases (chr2:240,595,095-240,595,096); duplicating either gives the same sequence. VCF-style (leftmost placement, unchanged base first): chr2-240595094-G-GA. GRCh37 (hg19) VCF-style: chr2-241534511-G-GA.
Other names: c.1070dup, p.Asn357fs (NM_023085.4); short protein forms N357fs.
Identifiers: ClinVar variation 1074535 (VCV001074535.7), dbSNP rs1182803771, ClinGen allele CA540752278.

ClinVar aggregate classification (germline): Pathogenic (1 of 4 stars; one submission).

Submission:

Labcorp Genetics (formerly Invitae), Labcorp
Classification: Pathogenic. Last evaluated: 2020-04-22. Review status: criteria provided, single submitter. Criteria: Invitae Variant Classification Sherloc (09022015). Collection method: clinical testing. Allele origin: germline.
Comment: For these reasons, this variant has been classified as Pathogenic. Loss-of-function variants in CAPN10 are known to be pathogenic (PMID: 25773692). This variant has not been reported in the literature in individuals with CAPN10-related conditions. This variant is not present in population databases (ExAC no frequency). This sequence change creates a premature translational stop signal (p.Asn357Lysfs*20) in the CAPN10 gene. It is expected to result in an absent or disrupted protein product.

Literature cited by the submitters: PubMed 25773692.